The following is an entry in ClinVar:

NM_032242.4(PLXNA1):c.3661-6T>C

Gene: PLXNA1 (plexin A1; plus strand). Cytogenetic location: 3q21.3.
Variant type: single nucleotide variant.
Coding change: c.3661-6T>C on transcript NM_032242.4 (MANE Select); 6 bases into the intron before coding-DNA position 3661, T replaced by C.
Molecular consequence: intron variant.
Genome position (GRCh38, 1-based): chr3:127,018,288, T>C. VCF-style: chr3-127018288-T-C. GRCh37 (hg19) VCF-style: chr3-126737131-T-C.
Identifiers: ClinVar variation 3347507 (VCV003347507.1).

ClinVar aggregate classification (germline): Likely benign (0 of 4 stars; one submission).

Conditions:
PLXNA1-related disorder. Also called: PLXNA1-related condition.

Submission:

PreventionGenetics, part of Exact Sciences
Classification: Likely benign for PLXNA1-related condition. Last evaluated: 2024-08-29. Review status: no assertion criteria provided. Collection method: clinical testing. Allele origin: germline.
Comment: This variant is classified as likely benign based on ACMG/AMP sequence variant interpretation guidelines (Richards et al. 2015 PMID: 25741868, with internal and published modifications).